The following is an entry in ClinVar:

ClinVar aggregate classification (germline): Uncertain significance (1 of 4 stars; one submission).

Conditions:
Ullrich congenital muscular dystrophy 2 (UCMD2). Identifiers: Orphanet 75840, MedGen C4225314, MONDO:0014654, OMIM 616470.
Bethlem myopathy 2 (BTHLM2). Identifiers: Orphanet 536516, Orphanet 610, MedGen C4225313, MONDO:0034022, OMIM 616471.

Submission:

Labcorp Genetics (formerly Invitae), Labcorp
Classification: Uncertain significance for Bethlem myopathy 2; Ullrich congenital muscular dystrophy 2. Last evaluated: 2022-06-12. Review status: criteria provided, single submitter. Criteria: Invitae Variant Classification Sherloc (09022015). Collection method: clinical testing. Allele origin: germline.
Comment: This variant has not been reported in the literature in individuals affected with COL12A1-related conditions. In summary, the available evidence is currently insufficient to determine the role of this variant in disease. Therefore, it has been classified as a Variant of Uncertain Significance. Algorithms developed to predict the effect of missense changes on protein structure and function are either unavailable or do not agree on the potential impact of this missense change (SIFT: "Deleterious"; PolyPhen-2: "Probably Damaging"; Align-GVGD: "Class C0"). This variant is not present in population databases (gnomAD no frequency). This sequence change replaces glycine, which is neutral and non-polar, with valine, which is neutral and non-polar, at codon 815 of the COL12A1 protein (p.Gly815Val).

NM_004370.6(COL12A1):c.2444G>T (p.Gly815Val)

Gene: COL12A1 (collagen type XII alpha 1 chain; minus strand). Cytogenetic location: 6q13.
Variant type: single nucleotide variant.
Coding change: c.2444G>T on transcript NM_004370.6 (MANE Select); coding-DNA position 2444, G replaced by T.
Protein change: p.Gly815Val; replaces glycine 815 with valine.
Molecular consequence: missense variant. On other transcripts: intron variant (1).
Genome position (GRCh38, 1-based): chr6:75,175,304, C>A on the plus strand (G>T on the coding strand, the complement: COL12A1 is on the minus strand). VCF-style: chr6-75175304-C-A. GRCh37 (hg19) VCF-style: chr6-75885020-C-A.
Other names: c.74-22822G>T (NM_080645.3); short protein forms G815V.
Identifiers: ClinVar variation 2005327 (VCV002005327.4), dbSNP rs867421232, ClinGen allele CA364762698.